The following is an entry in ClinVar:

ClinVar aggregate classification (germline): Uncertain significance (1 of 4 stars; one submission).

Submission:

Laboratory for Molecular Medicine, Mass General Brigham Personalized Medicine
Classification: Uncertain significance. Last evaluated: 2019-01-04. Review status: criteria provided, single submitter. Criteria: LMM Criteria. Collection method: clinical testing. Allele origin: germline. Observed: 1 variant allele.
Comment: The p.Asp342His variant in OTOA has not been previously reported in individuals with hearing loss and was absent from large population studies. Computational pr ediction tools and conservation analysis do not provide strong support for or ag ainst an impact to the protein. Another missense variant at the same position (p .Asp342Val) has been reported in a consanginous Palestinian family with hearing loss and segregated in four affected family members (Walsh 2006). In summary, th e clinical significance of the p.Asp342His variant is uncertain. ACMG/AMP Criter ia applied: PM2, PM5.

Literature cited by the submitters: PubMed 16460646.

NM_144672.4(OTOA):c.1024G>C (p.Asp342His)

Gene: OTOA (otoancorin). Cytogenetic location: 16p12.2.
Variant type: single nucleotide variant.
Coding change: c.1024G>C on transcript NM_144672.4 (MANE Select); coding-DNA position 1024, G replaced by C.
Protein change: p.Asp342His; replaces aspartic acid 342 with histidine.
Molecular consequence: missense variant.
Genome position (GRCh38, 1-based): chr16:21,705,212, G>C. VCF-style: chr16-21705212-G-C. GRCh37 (hg19) VCF-style: chr16-21716533-G-C.
Other names: c.787G>C, p.Asp263His (NM_001161683.2); c.52G>C, p.Asp18His (NM_170664.3); short protein forms D342H, D263H, D18H.
Identifiers: ClinVar variation 667292 (VCV000667292.4), dbSNP rs1597824772, ClinGen allele CA395061266.